The following is an entry in ClinVar:

ClinVar aggregate classification (germline): Uncertain significance. Review status: criteria provided, multiple submitters, no conflicts (2 of 4 stars). 2 submissions from 2 submitters: Uncertain significance (2). Last evaluated 2025-06-10.

Conditions:
Inborn genetic diseases. Identifiers: MedGen C0950123, MeSH D030342.

gnomAD v4.1: 1 of 1,614,070 alleles (0.000062%); highest among the groups gnomAD compares: Non-Finnish European, 0.000085%; no homozygotes.

Submissions (2):

Labcorp Genetics (formerly Invitae), Labcorp
Classification: Uncertain significance. Last evaluated: 2025-06-10. Review status: criteria provided, single submitter. Criteria: Invitae Variant Classification Sherloc (09022015). Collection method: clinical testing. Allele origin: germline.
Comment: This sequence change replaces glycine, which is neutral and non-polar, with aspartic acid, which is acidic and polar, at codon 429 of the ZBTB20 protein (p.Gly429Asp). This variant is not present in population databases (gnomAD no frequency). This variant has not been reported in the literature in individuals affected with ZBTB20-related conditions. ClinVar contains an entry for this variant (Variation ID: 2310201). Invitae Evidence Modeling of protein sequence and biophysical properties (such as structural, functional, and spatial information, amino acid conservation, physicochemical variation, residue mobility, and thermodynamic stability) indicates that this missense variant is not expected to disrupt ZBTB20 protein function with a negative predictive value of 95%. In summary, the available evidence is currently insufficient to determine the role of this variant in disease. Therefore, it has been classified as a Variant of Uncertain Significance.

Ambry Genetics
Classification: Uncertain significance for Inborn genetic diseases. Last evaluated: 2022-09-06. Review status: criteria provided, single submitter. Criteria: Ambry Variant Classification Scheme 2023. Collection method: clinical testing. Allele origin: germline.

NM_001348800.3(ZBTB20):c.1286G>A (p.Gly429Asp)

Gene: ZBTB20 (zinc finger and BTB domain containing 20; minus strand). Cytogenetic location: 3q13.31.
Variant type: single nucleotide variant.
Coding change: c.1286G>A on transcript NM_001348800.3 (MANE Select); coding-DNA position 1286, G replaced by A.
Protein change: p.Gly429Asp; replaces glycine 429 with aspartic acid.
Molecular consequence: missense variant.
Genome position (GRCh38, 1-based): chr3:114,350,792, C>T on the plus strand (G>A on the coding strand, the complement: ZBTB20 is on the minus strand). VCF-style: chr3-114350792-C-T. GRCh37 (hg19) VCF-style: chr3-114069639-C-T.
Other names: c.1286G>A, p.Gly429Asp (NM_001164342.2, NM_001348803.3, NM_001393393.1 and 1 more transcripts); c.1067G>A, p.Gly356Asp (NM_001164343.2, NM_001164344.4, NM_001164345.4 and 9 more transcripts); short protein forms G356D, G429D.
Identifiers: ClinVar variation 2310201 (VCV002310201.5), dbSNP rs532683480, ClinGen allele CA354010851.
Genomic context (GRCh38, chr3:114,350,792, plus strand): 5'-CTGACAGTGATAACAGTGCTGTCCATCTCCACTTCATTGCTTCTCTCCGGAGAGGAAGCA[C>T]CTGTTTCTAGCTGGTTTGTCTGCGGACCACCCTCAGCGGGGGCTTCTGCAGCCTGCTCGG-3'
Protein context (NP_001335729.1, residues 419-439): GGPQTNQLET[Gly429Asp]ASSPERSNEV